The following is an entry in ClinVar:

ClinVar aggregate classification (germline): Uncertain significance (1 of 4 stars; one submission).

Conditions:
Loeys-Dietz syndrome (LDS). Identifiers: Orphanet 60030, MedGen C2697932, MONDO:0018954.

gnomAD v4.1: 2 of 1,613,714 alleles (0.00012%); highest among the groups gnomAD compares: African/African-American, 0.0013%; no homozygotes.

Submission:

All of Us Research Program, National Institutes of Health
Classification: Uncertain significance for Loeys-Dietz syndrome. Last evaluated: 2024-03-24. Review status: criteria provided, single submitter. Criteria: ACMG Guidelines, 2015. Collection method: clinical testing. Allele origin: germline. Inheritance: Autosomal dominant inheritance. Observed: 1 variant allele, 1 heterozygote.
Comment: This missense variant replaces glycine with alanine at codon 500 of the TGFBR1 protein. Computational prediction suggests that this variant may not impact protein structure and function (internally defined REVEL score threshold <= 0.5, PMID: 27666373). To our knowledge, functional studies have not been reported for this variant. This variant has been reported in an individual affected with spontaneous coronary artery dissection (PMID: 32897753). This variant has been identified in 1/251064 chromosomes in the general population by the Genome Aggregation Database (gnomAD). The available evidence is insufficient to determine the role of this variant in disease conclusively. Therefore, this variant is classified as a Variant of Uncertain Significance.

This study involves interpretation of variants in research participants for the purpose of population health screening. Participant phenotype was not available at the time of variant classification. Additional details can be found in publication PMID: 35346344, PMCID: PMC8962531

Literature cited by the submitters: PubMed 32897753.

NM_004612.4(TGFBR1):c.1499G>C (p.Gly500Ala)

Gene: TGFBR1 (transforming growth factor beta receptor 1; plus strand). Cytogenetic location: 9q22.33.
Variant type: single nucleotide variant.
Coding change: c.1499G>C on transcript NM_004612.4 (MANE Select); coding-DNA position 1499, G replaced by C.
Protein change: p.Gly500Ala; replaces glycine 500 with alanine.
Molecular consequence: missense variant. On other transcripts: non-coding transcript variant (4).
Genome position (GRCh38, 1-based): chr9:99,149,292, G>C. VCF-style: chr9-99149292-G-C. GRCh37 (hg19) VCF-style: chr9-101911574-G-C.
Other names: c.1268G>C, p.Gly423Ala (NM_001130916.3, NM_001407435.1); c.1511G>C, p.Gly504Ala (NM_001306210.2); c.1343G>C, p.Gly448Ala (NM_001407416.1); c.1331G>C, p.Gly444Ala (NM_001407417.1); c.1304G>C, p.Gly435Ala (NM_001407418.1, NM_001407419.1, NM_001407420.1 and 1 more transcripts); c.1292G>C, p.Gly431Ala (NM_001407423.1, NM_001407424.1, NM_001407425.1 and 8 more transcripts); c.1253G>C, p.Gly418Ala (NM_001407436.1); c.791G>C, p.Gly264Ala (NM_001407437.1); and 1 more; short protein forms G264A, G341A, G418A, G423A, G431A, G435A, G444A, G448A.
Identifiers: ClinVar variation 3386051 (VCV003386051.1).